The following is an entry in ClinVar:

ClinVar aggregate classification (germline): Uncertain significance. Review status: criteria provided, multiple submitters, no conflicts (2 of 4 stars). 2 submissions from 2 submitters: Uncertain significance (2). Last evaluated 2025-05-22.

Conditions:
Progressive sclerosing poliodystrophy (MTDPS4A). Also called: NEURONAL DEGENERATION OF CHILDHOOD WITH LIVER DISEASE, PROGRESSIVE; Mitochondrial DNA Depletion Syndrome 4A; Alpers-Huttenlocher Syndrome (AHS); ALPERS PROGRESSIVE INFANTILE POLIODYSTROPHY; Alpers Syndrome; ALPERS DIFFUSE DEGENERATION OF CEREBRAL GRAY MATTER WITH HEPATIC CIRRHOSIS. Identifiers: Orphanet 726, MedGen C0205710, MONDO:0008758, OMIM 203700.

Allele frequency attached by ClinVar (database versions not stated): gnomAD exomes below 0.00001; TOPMed below 0.00001.
gnomAD v4.1: 1 of 1,614,008 alleles (0.000062%); highest among the groups gnomAD compares: Non-Finnish European, 0.000085%; no homozygotes.

Submissions (2):

Labcorp Genetics (formerly Invitae), Labcorp
Classification: Uncertain significance for Progressive sclerosing poliodystrophy. Last evaluated: 2025-05-22. Review status: criteria provided, single submitter. Criteria: Invitae Variant Classification Sherloc (09022015). Collection method: clinical testing. Allele origin: germline.
Comment: This sequence change replaces lysine, which is basic and polar, with arginine, which is basic and polar, at codon 773 of the POLG protein (p.Lys773Arg). This variant is not present in population databases (gnomAD no frequency). This variant has not been reported in the literature in individuals affected with POLG-related conditions. ClinVar contains an entry for this variant (Variation ID: 805227). Invitae Evidence Modeling of protein sequence and biophysical properties (such as structural, functional, and spatial information, amino acid conservation, physicochemical variation, residue mobility, and thermodynamic stability) has been performed for this missense variant. However, the output from this modeling did not meet the statistical confidence thresholds required to predict the impact of this variant on POLG protein function. In summary, the available evidence is currently insufficient to determine the role of this variant in disease. Therefore, it has been classified as a Variant of Uncertain Significance.

Athena Diagnostics
Classification: Uncertain significance. Last evaluated: 2019-01-07. Review status: criteria provided, single submitter. Criteria: Athena Diagnostics Criteria. Collection method: clinical testing. Allele origin: germline.

NM_002693.3(POLG):c.2318A>G (p.Lys773Arg)

Gene: POLG (DNA polymerase gamma, catalytic subunit; minus strand). Cytogenetic location: 15q26.1.
Variant type: single nucleotide variant.
Coding change: c.2318A>G on transcript NM_002693.3 (MANE Select); coding-DNA position 2318, A replaced by G.
Protein change: p.Lys773Arg; replaces lysine 773 with arginine.
Molecular consequence: missense variant.
Genome position (GRCh38, 1-based): chr15:89,322,850, T>C on the plus strand (A>G on the coding strand, the complement: POLG is on the minus strand). VCF-style: chr15-89322850-T-C. GRCh37 (hg19) VCF-style: chr15-89866081-T-C.
Other names: c.2318A>G, p.Lys773Arg (NM_001126131.2); short protein forms K773R.
Identifiers: ClinVar variation 805227 (VCV000805227.4), dbSNP rs1331031308, ClinGen allele CA393756489.
Genomic context (GRCh38, chr15:89,322,850, plus strand): 5'-TCCAGAGCACGGGGCCCACTGGCACCTCCTGGGCCAGCCTGCAGGGTGCCATCCTCCATC[T>C]TGGGCAGGAAGTCCTTGGCAAAGGGGCTTCCCACATTACAGCTATTACCATCCTGGACAG-3'
Protein context (NP_002684.1, residues 763-783): GSPFAKDFLP[Lys773Arg]MEDGTLQAGP